The following is an entry in ClinVar:

ClinVar aggregate classification (germline): Uncertain significance (1 of 4 stars; one submission).

gnomAD v4.1: 14 of 1,476,122 alleles (0.00095%); highest among the groups gnomAD compares: Non-Finnish European, 0.0012%; no homozygotes.

Submission:

Labcorp Genetics (formerly Invitae), Labcorp
Classification: Uncertain significance. Last evaluated: 2022-08-05. Review status: criteria provided, single submitter. Criteria: Invitae Variant Classification Sherloc (09022015). Collection method: clinical testing. Allele origin: germline.
Comment: In summary, the available evidence is currently insufficient to determine the role of this variant in disease. Therefore, it has been classified as a Variant of Uncertain Significance. Algorithms developed to predict the effect of missense changes on protein structure and function are either unavailable or do not agree on the potential impact of this missense change (SIFT: "Tolerated"; PolyPhen-2: "Probably Damaging"; Align-GVGD: "Class C0"). This variant has not been reported in the literature in individuals affected with POLE2-related conditions. The frequency data for this variant in the population databases is considered unreliable, as metrics indicate poor data quality at this position in the gnomAD database. This sequence change replaces histidine, which is basic and polar, with glutamine, which is neutral and polar, at codon 440 of the POLE2 protein (p.His440Gln).

NM_002692.4(POLE2):c.1320C>A (p.His440Gln)

Gene: POLE2 (DNA polymerase epsilon 2, accessory subunit; minus strand). Cytogenetic location: 14q21.3.
Variant type: single nucleotide variant.
Coding change: c.1320C>A on transcript NM_002692.4 (MANE Select); coding-DNA position 1320, C replaced by A.
Protein change: p.His440Gln; replaces histidine 440 with glutamine.
Molecular consequence: missense variant.
Genome position (GRCh38, 1-based): chr14:49,651,269, G>T on the plus strand (C>A on the coding strand, the complement: POLE2 is on the minus strand). VCF-style: chr14-49651269-G-T. GRCh37 (hg19) VCF-style: chr14-50117987-G-T.
Other names: c.1242C>A, p.His414Gln (NM_001197330.2); c.1320C>A, p.His440Gln (NM_001197331.3); c.1317C>A, p.His439Gln (NM_001348384.2); c.1089C>A, p.His363Gln (NM_001348385.2); short protein forms H363Q, H414Q, H439Q, H440Q.
Identifiers: ClinVar variation 1970730 (VCV001970730.5), dbSNP rs111841426, ClinGen allele CA7173314.
Genomic context (GRCh38, chr14:49,651,269, plus strand): 5'-AATAAAATTTTATATAATGCAACATGTAAGGCAGTTTAATAAAAAAGTTGTTTCACTTAC[G>T]TGATTAGGAATAGCCAAATTGCTGCTAGGAAAACGGACGCAGTTTCTGCACATTTTATTT-3'
Protein context (NP_002683.2, residues 430-450): FPSSNLAIPN[His440Gln]FVKTILSQGH